The following is an entry in ClinVar:

ClinVar aggregate classification (germline): Likely benign (1 of 4 stars; one submission).

Allele frequency attached by ClinVar (database versions not stated): 1000 Genomes Project 30x 0.00016; 1000 Genomes Project 0.00020; gnomAD 0.00034; ESP Exome Variant Server 0.00046; TOPMed 0.00054; ExAC 0.00058.
gnomAD v4.1: 707 of 1,613,920 alleles (0.044%); highest among the groups gnomAD compares: Middle Eastern, 0.54%; 2 homozygotes.

Submission:

CeGaT Center for Human Genetics Tuebingen
Classification: Likely benign. Last evaluated: 2022-07-01. Review status: criteria provided, single submitter. Criteria: CeGaT Center For Human Genetics Tuebingen Variant Classification Criteria Version 2. Collection method: clinical testing. Allele origin: germline. Affected: yes. Observed: 1 variant allele.
Comment: ITIH2: BP4, BP7

NM_002216.3(ITIH2):c.1524A>G (p.Thr508=)

Gene: ITIH2 (inter-alpha-trypsin inhibitor heavy chain 2; plus strand). Cytogenetic location: 10p14.
Variant type: single nucleotide variant.
Coding change: c.1524A>G on transcript NM_002216.3 (MANE Select); coding-DNA position 1524, A replaced by G.
Protein change: p.Thr508=; no amino-acid change (threonine 508 retained).
Molecular consequence: synonymous variant.
Genome position (GRCh38, 1-based): chr10:7,731,873, A>G. VCF-style: chr10-7731873-A-G. GRCh37 (hg19) VCF-style: chr10-7773836-A-G.
Identifiers: ClinVar variation 2640294 (VCV002640294.24), dbSNP rs34533278, ClinGen allele CA5402336.